The following is an entry in ClinVar:

NM_003640.5(ELP1):c.1309A>G (p.Asn437Asp)

Gene: ELP1 (elongator acetyltransferase complex subunit 1; minus strand). Cytogenetic location: 9q31.3.
Variant type: single nucleotide variant.
Coding change: c.1309A>G on transcript NM_003640.5 (MANE Select); coding-DNA position 1309, A replaced by G.
Protein change: p.Asn437Asp; replaces asparagine 437 with aspartic acid.
Molecular consequence: missense variant.
Genome position (GRCh38, 1-based): chr9:108,911,061, T>C on the plus strand (A>G on the coding strand, the complement: ELP1 is on the minus strand). VCF-style: chr9-108911061-T-C. GRCh37 (hg19) VCF-style: chr9-111673341-T-C.
Other names: c.967A>G, p.Asn323Asp (NM_001318360.2); c.262A>G, p.Asn88Asp (NM_001330749.2); short protein forms N323D, N437D, N88D.
Identifiers: ClinVar variation 1800049 (VCV001800049.2), dbSNP rs148609833, ClinGen allele CA374428676.

ClinVar aggregate classification (germline): Uncertain significance (1 of 4 stars; one submission).

Submission:

Ambry Genetics
Classification: Uncertain significance. Last evaluated: 2022-05-13. Review status: criteria provided, single submitter. Criteria: Ambry Variant Classification Scheme 2023. Collection method: clinical testing. Allele origin: germline.
Comment: The p.N437D variant (also known as c.1309A>G), located in coding exon 11 of the IKBKAP gene, results from an A to G substitution at nucleotide position 1309. The asparagine at codon 437 is replaced by aspartic acid, an amino acid with highly similar properties. This amino acid position is conserved. In addition, this alteration is predicted to be tolerated by in silico analysis. Since supporting evidence is limited at this time, the clinical significance of this alteration remains unclear.